The following is an entry in ClinVar:

NM_001267550.2(TTN):c.5867del (p.Lys1956fs)

Gene: TTN (titin; minus strand). Cytogenetic location: 2q31.2.
Variant type: Deletion.
Coding change: c.5867del on transcript NM_001267550.2 (MANE Select); coding-DNA position 5867, one base deleted (A; older notation c.5867delA).
Protein change: p.Lys1956fs; shifts the reading frame from lysine 1956.
Molecular consequence: frameshift variant.
Genome position (GRCh38, 1-based): chr2:178,775,997, T deleted on the plus strand (A on the coding strand, the reverse complement: TTN is on the minus strand); the first of 3 consecutive T bases (chr2:178,775,997-178,775,999); deleting any one gives the same sequence. VCF-style (leftmost placement, unchanged base first): chr2-178775996-CT-C. GRCh37 (hg19) VCF-style: chr2-179640723-CT-C.
Other names: c.5867del, p.Lys1956fs (NM_001256850.1, NM_133378.4, NM_133379.5); c.5729del, p.Lys1910fs (NM_003319.4, NM_133432.3, NM_133437.4); c.5867delA (NM_001267550.2); short protein forms K1956fs, K1910fs.
Identifiers: ClinVar variation 467315 (VCV000467315.9), dbSNP rs1554006249, ClinGen allele CA658657187.
Genomic context (GRCh38, chr2:178,775,996, plus strand): 5'-AACTTCTTTGGTTTCAGTGGTGTCAACAGGTCTATCCACTTTTTGTACTTCAAACTGAAG[CT>C]TTCCTGGTTCATGTACGTGAAACTCAGGCCTTGGTTCAGGAGCTCTCCTAAGGACAGACC-3'

ClinVar aggregate classification (germline): Likely pathogenic (1 of 4 stars; one submission).

Conditions:
Autosomal recessive limb-girdle muscular dystrophy type 2J (LGMDR10). Also called: Limb-girdle muscular dystrophy, type 2J; MUSCULAR DYSTROPHY, LIMB-GIRDLE, AUTOSOMAL RECESSIVE 10. Identifiers: Orphanet 140922, MedGen C1837342, MONDO:0012127, OMIM 608807.
Dilated cardiomyopathy 1G (CMD1G). Identifiers: Orphanet 154, MedGen C1858763, MONDO:0011400, OMIM 604145.

Submission:

Labcorp Genetics (formerly Invitae), Labcorp
Classification: Likely pathogenic for Dilated cardiomyopathy 1G; Autosomal recessive limb-girdle muscular dystrophy type 2J. Last evaluated: 2024-11-04. Review status: criteria provided, single submitter. Criteria: Invitae Variant Classification Sherloc (09022015). Collection method: clinical testing. Allele origin: germline.
Comment: This sequence change creates a premature translational stop signal (p.Lys1956Serfs*22) in the TTN gene. While this is not anticipated to result in nonsense mediated decay, it is expected to create a truncated TTN protein. This variant is not present in population databases (gnomAD no frequency). This variant has not been reported in the literature in individuals affected with TTN-related conditions. ClinVar contains an entry for this variant (Variation ID: 467315). This variant is located in the Z band of TTN (PMID: 25589632). Truncating variants in this region have been reported in individuals affected with autosomal recessive centronuclear myopathy (PMID: 33449170, internal data). Truncating variants in this region have also been identified in individuals affected with autosomal dominant dilated cardiomyopathy and/or cardio-related conditions (PMID: 27869827, 32964742, internal data). In summary, the currently available evidence indicates that the variant is pathogenic, but additional data are needed to prove that conclusively. Therefore, this variant has been classified as Likely Pathogenic.

Literature cited by the submitters: PubMed 25589632; PubMed 33449170; PubMed 27869827; PubMed 32964742.